The following is an entry in ClinVar:

NM_000157.4(GBA1):c.534del (p.Asp179fs)

Genes: GBA1 (glucosylceramidase beta 1; minus strand), LOC106627981 (GBA recombination region; plus strand). Cytogenetic location: 1q22.
Variant type: Deletion.
Coding change: c.534del on transcript NM_000157.4 (MANE Select); coding-DNA position 534, one base deleted (T; older notation c.534delT).
Protein change: p.Asp179fs; shifts the reading frame from aspartic acid 179.
Molecular consequence: frameshift variant.
Genome position (GRCh38, 1-based): chr1:155,238,571, A deleted on the plus strand (T on the coding strand, the reverse complement: GBA1 is on the minus strand). VCF-style (leftmost placement, unchanged base first): chr1-155238570-CA-C. GRCh37 (hg19) VCF-style: chr1-155208361-CA-C.
Other names: c.534del, p.Asp179fs (NM_001005741.3, NM_001005742.3); c.273del, p.Asp92fs (NM_001171811.2); c.387del, p.Asp130fs (NM_001171812.2); short protein forms D130fs, D179fs, D92fs.
Identifiers: ClinVar variation 4817773 (VCV004817773.1).

ClinVar aggregate classification (germline): Pathogenic (1 of 4 stars; one submission).

Conditions:
Gaucher disease. Also called: Acute cerebral Gaucher disease; Cerebroside lipidosis syndrome; Gaucher splenomegaly; Sphingolipidosis 1; Glucocerebrosidosis; Glucosylceramidase deficiency. Identifiers: Orphanet 355, MedGen C0017205, MONDO:0018150.

Submission:

Natera, Inc.
Classification: Pathogenic for Gaucher disease. Last evaluated: 2024-03-06. Review status: criteria provided, single submitter. Criteria: Natera Variant Classification Schema (03/2026). Collection method: clinical testing. Allele origin: germline.
Comment: The c.534delT variant in GBA1 is a frameshift variant predicted to shift the reading frame beginning at codon 179 and leads to a stop codon 21 codons downstream. This variant is expected to result in nonsense mediated decay, truncation, or a dysfunctional protein product. This variant is rare in the general population with a frequency below the threshold expected for the associated phenotype(s). This variant has been observed in one or more individuals affected with the associated recessive disease, as either homozygous or compound heterozygous with a second variant (PMID: 34134921, 12752568). Given the available evidence, this variant is classified as Pathogenic.

Literature cited by the submitters: PubMed 34134921; PubMed 12752568.